The following is an entry in ClinVar:

NM_005458.8(GABBR2):c.2343C>T (p.Asn781=)

Gene: GABBR2 (gamma-aminobutyric acid type B receptor subunit 2; minus strand). Cytogenetic location: 9q22.33.
Variant type: single nucleotide variant.
Coding change: c.2343C>T on transcript NM_005458.8 (MANE Select); coding-DNA position 2343, C replaced by T.
Protein change: p.Asn781=; no amino-acid change (asparagine 781 retained).
Molecular consequence: synonymous variant.
Genome position (GRCh38, 1-based): chr9:98,303,310, G>A on the plus strand (C>T on the coding strand, the complement: GABBR2 is on the minus strand). VCF-style: chr9-98303310-G-A. GRCh37 (hg19) VCF-style: chr9-101065592-G-A.
Identifiers: ClinVar variation 1545348 (VCV001545348.33), dbSNP rs376785497, ClinGen allele CA5152485.

ClinVar aggregate classification (germline): Likely benign. Review status: criteria provided, multiple submitters, no conflicts (2 of 4 stars). 3 submissions from 3 submitters: Likely benign (3). Last evaluated 2025-10-01.

Conditions:
Epileptic encephalopathy. Identifiers: MedGen C0543888, HP:0200134.

Allele frequency attached by ClinVar (database versions not stated): TOPMed 0.00005; gnomAD exomes 0.00007 and 0.00008; ESP Exome Variant Server 0.00008; gnomAD 0.00011 and 0.00013; ExAC 0.00012.
gnomAD v4.1: 121 of 1,614,060 alleles (0.0075%); highest among the groups gnomAD compares: Non-Finnish European, 0.0092%; no homozygotes.

Submissions (3):

Labcorp Genetics (formerly Invitae), Labcorp
Classification: Likely benign for Epileptic encephalopathy. Last evaluated: 2025-10-01. Review status: criteria provided, single submitter. Criteria: Invitae Variant Classification Sherloc (09022015). Collection method: clinical testing. Allele origin: germline.

Blueprint Genetics
Classification: Likely benign. Last evaluated: 2024-10-01. Review status: criteria provided, single submitter. Criteria: ACMG Guidelines, 2015. Collection method: clinical testing. Allele origin: germline.

CeGaT Center for Human Genetics Tuebingen
Classification: Likely benign. Last evaluated: 2023-07-01. Review status: criteria provided, single submitter. Criteria: CeGaT Center For Human Genetics Tuebingen Variant Classification Criteria Version 2. Collection method: clinical testing. Allele origin: germline. Affected: yes. Observed: 1 variant allele.
Comment: GABBR2: BP4, BS2